The following is an entry in ClinVar:

ClinVar aggregate classification (germline): Uncertain significance (1 of 4 stars; one submission).

Conditions:
Malignant hyperthermia, susceptibility to, 1 (MHS1). Also called: RYR1-Related Malignant Hyperthermia Susceptibility; Malignant hyperthermia suceptibility 1; Anesthesia related hyperthermia; Malignant hyperpyrexia; Fulminating hyperpyrexia; Pharmacogenic myopathy. Identifiers: Orphanet 423, MedGen C2930980, MONDO:0007783, OMIM 145600.

gnomAD v4.1: 1 of 1,614,038 alleles (0.000062%); highest among the groups gnomAD compares: Non-Finnish European, 0.000085%; no homozygotes.

Submission:

Color Diagnostics, LLC DBA Color Health
Classification: Uncertain significance for Malignant hyperthermia, susceptibility to, 1. Last evaluated: 2025-10-02. Review status: criteria provided, single submitter. Criteria: ACMG Guidelines, 2015. Collection method: clinical testing. Allele origin: germline.
Comment: This variant causes a T to G nucleotide substitution at the -12 position of intron 34 of the RYR1 gene. Splice site prediction tools are inconclusive regarding the impact of this variant on RNA splicing. To our knowledge, RNA studies have not been reported for this variant. This variant has not been reported in individuals affected with RYR1-related disorders in the literature. This variant has been identified in 1/1461754 chromosomes in the general population by the Genome Aggregation Database (gnomAD). The available evidence is insufficient to determine the role of this variant in disease conclusively. Therefore, this variant is classified as a Variant of Uncertain Significance.

NM_000540.3(RYR1):c.5548-12T>G

Gene: RYR1 (ryanodine receptor 1; plus strand). Cytogenetic location: 19q13.2.
Variant type: single nucleotide variant.
Coding change: c.5548-12T>G on transcript NM_000540.3 (MANE Select); 12 bases into the intron before coding-DNA position 5548, T replaced by G.
Molecular consequence: intron variant.
Genome position (GRCh38, 1-based): chr19:38,489,165, T>G. VCF-style: chr19-38489165-T-G. GRCh37 (hg19) VCF-style: chr19-38979805-T-G.
Other names: c.5548-12T>G (NM_001042723.2).
Identifiers: ClinVar variation 4758087 (VCV004758087.1).
Genomic context (GRCh38, chr19:38,489,165, plus strand): 5'-GGAGAATGAGGCCAGGGCCTGATGATGGAGGCCTTGCAGGCCACAGTGAAGAACCGAGAC[T>G]TTGTCCTGTAGGTGATGGGCATCTTTGGCGATGAGGATGTGAAACAGATCTTGAAGATGA-3'